The following is an entry in ClinVar:

NM_001458.5(FLNC):c.2481C>G (p.Asp827Glu)

Gene: FLNC (filamin C; plus strand). Cytogenetic location: 7q32.1.
Variant type: single nucleotide variant.
Coding change: c.2481C>G on transcript NM_001458.5 (MANE Select); coding-DNA position 2481, C replaced by G.
Protein change: p.Asp827Glu; replaces aspartic acid 827 with glutamic acid.
Molecular consequence: missense variant.
Genome position (GRCh38, 1-based): chr7:128,842,885, C>G. VCF-style: chr7-128842885-C-G. GRCh37 (hg19) VCF-style: chr7-128482939-C-G.
Other names: c.2481C>G, p.Asp827Glu (NM_001127487.2); short protein forms D827E.
Identifiers: ClinVar variation 4812374 (VCV004812374.1).

ClinVar aggregate classification (germline): Uncertain significance (1 of 4 stars; one submission).

Conditions:
Hypertrophic cardiomyopathy 26. Also called: Cardiomyopathy, familial hypertrophic, 26. Identifiers: Orphanet 75249, MedGen C4310749, MONDO:0014883, OMIM 617047.
Myofibrillar myopathy 5. Also called: Filaminopathy (type); FILAMINOPATHY, AUTOSOMAL DOMINANT. Identifiers: Orphanet 171445, MedGen C1836050, MONDO:0012289, OMIM 609524.
Distal myopathy with posterior leg and anterior hand involvement. Also called: WILLIAMS DISTAL MYOPATHY. Identifiers: Orphanet 63273, MedGen C3279722, MONDO:0013550, OMIM 614065.

Submission:

Labcorp Genetics (formerly Invitae), Labcorp
Classification: Uncertain significance for Distal myopathy with posterior leg and anterior hand involvement; Myofibrillar myopathy 5; Hypertrophic cardiomyopathy 26. Last evaluated: 2025-05-11. Review status: criteria provided, single submitter. Criteria: Invitae Variant Classification Sherloc (09022015). Collection method: clinical testing. Allele origin: germline.
Comment: This sequence change replaces aspartic acid, which is acidic and polar, with glutamic acid, which is acidic and polar, at codon 827 of the FLNC protein (p.Asp827Glu). This variant is present in population databases (rs780339020, gnomAD 0.0009%). This variant has not been reported in the literature in individuals affected with FLNC-related conditions. Invitae Evidence Modeling of protein sequence and biophysical properties (such as structural, functional, and spatial information, amino acid conservation, physicochemical variation, residue mobility, and thermodynamic stability) has been performed for this missense variant. However, the output from this modeling did not meet the statistical confidence thresholds required to predict the impact of this variant on FLNC protein function. In summary, the available evidence is currently insufficient to determine the role of this variant in disease. Therefore, it has been classified as a Variant of Uncertain Significance.